The following is an entry in ClinVar:

ClinVar aggregate classification (germline): Pathogenic. Review status: criteria provided, multiple submitters, no conflicts (2 of 4 stars). 2 submissions from 2 submitters: Pathogenic (2). Last evaluated 2024-01-01.

Conditions:
Early-infantile DEE. Also called: Early infantile epileptic encephalopathy; Ohtahara syndrome; Early infantile epileptic encephalopathy with suppression bursts. Identifiers: Orphanet 1934, MedGen C0393706, MONDO:0800491.

Submissions (2):

CeGaT Center for Human Genetics Tuebingen
Classification: Pathogenic. Last evaluated: 2024-01-01. Review status: criteria provided, single submitter. Criteria: CeGaT Center For Human Genetics Tuebingen Variant Classification Criteria Version 2. Collection method: clinical testing. Allele origin: germline. Affected: yes. Observed: 1 variant allele.
Comment: SCN8A: PVS1, PM2

Labcorp Genetics (formerly Invitae), Labcorp
Classification: Pathogenic for Early-infantile DEE. Last evaluated: 2022-08-23. Review status: criteria provided, single submitter. Criteria: Invitae Variant Classification Sherloc (09022015). Collection method: clinical testing. Allele origin: germline.
Comment: This variant has not been reported in the literature in individuals affected with SCN8A-related conditions. For these reasons, this variant has been classified as Pathogenic. ClinVar contains an entry for this variant (Variation ID: 461350). This variant is not present in population databases (gnomAD no frequency). This sequence change creates a premature translational stop signal (p.Arg278*) in the SCN8A gene. It is expected to result in an absent or disrupted protein product. Loss-of-function variants in SCN8A are known to be pathogenic (PMID: 19254928, 32651551).

Literature cited by the submitters: PubMed 19254928 (cited by Labcorp Genetics (formerly Invitae), Labcorp); PubMed 32651551 (cited by Labcorp Genetics (formerly Invitae), Labcorp).

NM_001330260.2(SCN8A):c.832C>T (p.Arg278Ter)

Gene: SCN8A (sodium voltage-gated channel alpha subunit 8; plus strand). Cytogenetic location: 12q13.13.
Variant type: single nucleotide variant.
Coding change: c.832C>T on transcript NM_001330260.2 (MANE Select); coding-DNA position 832, C replaced by T.
Protein change: p.Arg278Ter; replaces arginine 278 with a stop codon.
Molecular consequence: nonsense.
Genome position (GRCh38, 1-based): chr12:51,699,695, C>T. VCF-style: chr12-51699695-C-T. GRCh37 (hg19) VCF-style: chr12-52093479-C-T.
Other names: c.832C>T, p.Arg278Ter (NM_001177984.3, NM_001369788.1, NM_014191.4); short protein forms R278*.
Identifiers: ClinVar variation 461350 (VCV000461350.31), dbSNP rs1555218657, ClinGen allele CA385226619.